The following is an entry in ClinVar:

NM_001457.4(FLNB):c.1946G>A (p.Arg649Gln)

Gene: FLNB (filamin B; plus strand). Cytogenetic location: 3p14.3.
Variant type: single nucleotide variant.
Coding change: c.1946G>A on transcript NM_001457.4 (MANE Select); coding-DNA position 1946, G replaced by A.
Protein change: p.Arg649Gln; replaces arginine 649 with glutamine.
Molecular consequence: missense variant.
Genome position (GRCh38, 1-based): chr3:58,108,462, G>A. VCF-style: chr3-58108462-G-A. GRCh37 (hg19) VCF-style: chr3-58094189-G-A.
Other names: c.1946G>A, p.Arg649Gln (NM_001164317.2, NM_001164318.2, NM_001164319.2); short protein forms R649Q.
Identifiers: ClinVar variation 288568 (VCV000288568.37), dbSNP rs145910735, ClinGen allele CA2467983.

ClinVar aggregate classification (germline): Conflicting classifications of pathogenicity. Review status: criteria provided, conflicting classifications (1 of 4 stars). 7 submissions from 7 submitters: Uncertain significance (1); Benign (2); Likely benign (4). Last evaluated 2026-04-01.

Conditions:
FLNB-Related Spectrum Disorders.
FLNB-related disorder. Also called: FLNB-related condition; FLNB-related disorders. Identifiers: MedGen CN381095.
Inborn genetic diseases. Identifiers: MedGen C0950123, MeSH D030342.

Allele frequency attached by ClinVar (database versions not stated): ESP Exome Variant Server 0.00054; gnomAD 0.00006; gnomAD exomes 0.00017 and 0.00037; TOPMed 0.00019; ExAC 0.00026.
gnomAD v4.1: 298 of 1,610,242 alleles (0.019%); highest among the groups gnomAD compares: Admixed American, 0.025%; 1 homozygote.

Submissions (9):

CeGaT Center for Human Genetics Tuebingen
Classification: Likely benign. Last evaluated: 2026-04-01. Review status: criteria provided, single submitter. Criteria: CeGaT Center For Human Genetics Tuebingen Variant Classification Criteria Version 2. Collection method: clinical testing. Allele origin: germline. Affected: yes. Observed: 2 variant alleles.
Comment: FLNB: BP4

Labcorp Genetics (formerly Invitae), Labcorp
Classification: Benign. Last evaluated: 2026-02-01. Review status: criteria provided, single submitter. Criteria: Invitae Variant Classification Sherloc (09022015). Collection method: clinical testing. Allele origin: germline.

PreventionGenetics, part of Exact Sciences
Classification: Likely benign for FLNB-related condition. Last evaluated: 2025-08-30. Review status: criteria provided, single submitter. Criteria: ACMG Guidelines, 2015. Collection method: clinical testing. Allele origin: germline.
Comment: This variant is classified as likely benign based on ACMG/AMP sequence variant interpretation guidelines (Richards et al. 2015 PMID: 25741868, with internal and published modifications).

Blueprint Genetics
Classification: Likely benign. Last evaluated: 2024-09-06. Review status: criteria provided, single submitter. Criteria: ACMG Guidelines, 2015. Collection method: clinical testing. Allele origin: germline.

Ambry Genetics
Classification: Likely benign for Inborn genetic diseases. Last evaluated: 2021-10-05. Review status: criteria provided, single submitter. Criteria: Ambry Variant Classification Scheme 2023. Collection method: clinical testing. Allele origin: germline.

Illumina Laboratory Services, Illumina
Classification: Benign for FLNB-Related Spectrum Disorders. Last evaluated: 2017-04-27. Review status: criteria provided, single submitter. Criteria: ICSL Variant Classification Criteria 13 December 2019. Collection method: clinical testing. Allele origin: germline.
Comment: This variant was observed as part of a predisposition screen in an ostensibly healthy population. A literature search was performed for the gene, cDNA change, and amino acid change (where applicable). No publications were found based on this search. Allele frequency data from public databases was too high to be consistent with this variant causing disease. Therefore, this variant is classified as benign.

Eurofins Ntd Llc (ga)
Classification: Uncertain significance. Last evaluated: 2016-06-23. Review status: criteria provided, single submitter. Criteria: EGL Classification Definitions 2015. Collection method: clinical testing. Allele origin: germline. Observed: 1 variant allele, 1 heterozygote.

Dr. Peter K. Rogan Lab, Western University
No classification provided (evidence only). Condition: Colon adenocarcinoma. Review status: no classification provided. Collection method: in vitro. Allele origin: not applicable. Functional consequence: retained intron. Not counted in ClinVar's aggregate classification.

Dr. Peter K. Rogan Lab, Western University
No classification provided (evidence only). Condition: Sarcoma. Review status: no classification provided. Collection method: in vitro. Allele origin: not applicable. Functional consequence: retained intron. Not counted in ClinVar's aggregate classification.